The following is an entry in ClinVar:

NM_016151.4(TAOK2):c.2674G>A (p.Gly892Ser)

Gene: TAOK2 (TAO kinase 2; plus strand). Cytogenetic location: 16p11.2.
Variant type: single nucleotide variant.
Coding change: c.2674G>A on transcript NM_016151.4 (MANE Select); coding-DNA position 2674, G replaced by A.
Protein change: p.Gly892Ser; replaces glycine 892 with serine.
Molecular consequence: missense variant. On other transcripts: intron variant (1).
Genome position (GRCh38, 1-based): chr16:29,986,946, G>A. VCF-style: chr16-29986946-G-A. GRCh37 (hg19) VCF-style: chr16-29998267-G-A.
Other names: c.2335G>A, p.Gly779Ser (NM_001252043.2); c.2232+442G>A (NM_004783.4); short protein forms G779S, G892S.
Identifiers: ClinVar variation 2002497 (VCV002002497.4), dbSNP rs2543665873, ClinGen allele CA395493826.

ClinVar aggregate classification (germline): Uncertain significance (1 of 4 stars; one submission).

Submission:

Labcorp Genetics (formerly Invitae), Labcorp
Classification: Uncertain significance. Last evaluated: 2022-06-05. Review status: criteria provided, single submitter. Criteria: Invitae Variant Classification Sherloc (09022015). Collection method: clinical testing. Allele origin: germline.
Comment: This sequence change replaces glycine, which is neutral and non-polar, with serine, which is neutral and polar, at codon 892 of the TAOK2 protein (p.Gly892Ser). This variant is not present in population databases (gnomAD no frequency). This variant has not been reported in the literature in individuals affected with TAOK2-related conditions. Algorithms developed to predict the effect of missense changes on protein structure and function output the following: SIFT: "Deleterious"; PolyPhen-2: "Benign"; Align-GVGD: "Class C0". The serine amino acid residue is found in multiple mammalian species, which suggests that this missense change does not adversely affect protein function. In summary, the available evidence is currently insufficient to determine the role of this variant in disease. Therefore, it has been classified as a Variant of Uncertain Significance.